The following is an entry in ClinVar:

NM_002317.7(LOX):c.686AGA[1] (p.Lys230del)

Genes: SRFBP1 (serum response factor binding protein 1; plus strand), LOX (lysyl oxidase; minus strand). Cytogenetic location: 5q23.1.
Variant type: Microsatellite.
Coding change: c.686AGA[1] on transcript NM_002317.7 (MANE Select); one copy of the 3-base unit AGA starting at c.686; the reference has two copies in a row; one copy, 3 bases deleted.
Protein change: p.Lys230del; deletes lysine 230.
Molecular consequence: initiator codon variant (on NM_001178102.2). On other transcripts: intron variant (1).
Genome position (GRCh38, 1-based): chr5:122,076,942-122,076,944, TCT deleted on the plus strand (AGA on the coding strand, the reverse complement: LOX is on the minus strand); deleting any 3 consecutive bases within chr5:122,076,942-122,076,947 gives the same sequence; the position shown is the placement nearest the transcript's 3' end. VCF-style (leftmost placement, unchanged base first): chr5-122076941-ATCT-A. GRCh37 (hg19) VCF-style: chr5-121412636-ATCT-A.
Other names: c.-5AGA[1], p.Met1del (NM_001178102.2); c.-152+148_-152+150del (NM_001317073.1); short protein forms K230del, M1del.
Identifiers: ClinVar variation 4773460 (VCV004773460.1).

ClinVar aggregate classification (germline): Uncertain significance (1 of 4 stars; one submission).

Submission:

Labcorp Genetics (formerly Invitae), Labcorp
Classification: Uncertain significance. Last evaluated: 2025-09-19. Review status: criteria provided, single submitter. Criteria: Invitae Variant Classification Sherloc (09022015). Collection method: clinical testing. Allele origin: germline.
Comment: This variant, c.689_691del, results in the deletion of 1 amino acid(s) of the LOX protein (p.Lys230del), but otherwise preserves the integrity of the reading frame. This variant is not present in population databases (gnomAD no frequency). This variant has not been reported in the literature in individuals affected with LOX-related conditions. Experimental studies and prediction algorithms are not available or were not evaluated, and the functional significance of this variant is currently unknown. In summary, the available evidence is currently insufficient to determine the role of this variant in disease. Therefore, it has been classified as a Variant of Uncertain Significance.